The following is an entry in ClinVar:

NM_032776.3(JMJD1C):c.7433C>T (p.Thr2478Ile)

Gene: JMJD1C (jumonji domain containing 1C; minus strand). Cytogenetic location: 10q21.3.
Variant type: single nucleotide variant.
Coding change: c.7433C>T on transcript NM_032776.3 (MANE Select); coding-DNA position 7433, C replaced by T.
Protein change: p.Thr2478Ile; replaces threonine 2478 with isoleucine.
Molecular consequence: missense variant. On other transcripts: non-coding transcript variant (1).
Genome position (GRCh38, 1-based): chr10:63,168,535, G>A on the plus strand (C>T on the coding strand, the complement: JMJD1C is on the minus strand). VCF-style: chr10-63168535-G-A. GRCh37 (hg19) VCF-style: chr10-64928295-G-A.
Other names: c.6887C>T, p.Thr2296Ile (NM_001282948.2, NM_001318154.2); c.6569C>T, p.Thr2190Ile (NM_001318153.2); c.7319C>T, p.Thr2440Ile (NM_001322252.2); c.6776C>T, p.Thr2259Ile (NM_001322254.2, NM_001322258.2); short protein forms T2440I, T2296I, T2478I, T2190I, T2259I.
Identifiers: ClinVar variation 664013 (VCV000664013.8), dbSNP rs758211612, ClinGen allele CA5517646.

ClinVar aggregate classification (germline): Uncertain significance (1 of 4 stars; one submission).

Conditions:
Early Myoclonic Encephalopathy. Identifiers: MedGen C0270855.

Allele frequency attached by ClinVar (database versions not stated): gnomAD exomes 0.00003 and 0.00004; ExAC 0.00006; TOPMed below 0.00001.
gnomAD v4.1: 42 of 1,607,920 alleles (0.0026%); highest among the groups gnomAD compares: South Asian, 0.044%; 1 homozygote.

Submission:

Labcorp Genetics (formerly Invitae), Labcorp
Classification: Uncertain significance for Early Myoclonic Encephalopathy. Last evaluated: 2021-05-12. Review status: criteria provided, single submitter. Criteria: Invitae Variant Classification Sherloc (09022015). Collection method: clinical testing. Allele origin: germline.
Comment: In summary, the available evidence is currently insufficient to determine the role of this variant in disease. Therefore, it has been classified as a Variant of Uncertain Significance. Algorithms developed to predict the effect of missense changes on protein structure and function are either unavailable or do not agree on the potential impact of this missense change (SIFT: "Tolerated"; PolyPhen-2: "Possibly Damaging"; Align-GVGD: "Class C0"). This variant has not been reported in the literature in individuals with JMJD1C-related disease. This variant is present in population databases (rs758211612, ExAC 0.04%). This sequence change replaces threonine with isoleucine at codon 2478 of the JMJD1C protein (p.Thr2478Ile). The threonine residue is moderately conserved and there is a moderate physicochemical difference between threonine and isoleucine.